The following is an entry in ClinVar:

ClinVar aggregate classification (germline): Uncertain significance (1 of 4 stars; one submission).

Conditions:
Fanconi anemia (FA). Also called: Fanconi's anemia. Identifiers: Orphanet 84, MedGen C0015625, MeSH D005199, MONDO:0019391.

gnomAD v4.1: 13 of 1,614,060 alleles (0.00081%); highest among the groups gnomAD compares: Middle Eastern, 0.033%; no homozygotes.

Submission:

Labcorp Genetics (formerly Invitae), Labcorp
Classification: Uncertain significance for Fanconi anemia. Last evaluated: 2022-05-30. Review status: criteria provided, single submitter. Criteria: Invitae Variant Classification Sherloc (09022015). Collection method: clinical testing. Allele origin: germline.
Comment: This sequence change replaces arginine, which is basic and polar, with proline, which is neutral and non-polar, at codon 29 of the SLX4 protein (p.Arg29Pro). This variant is present in population databases (rs149117119, gnomAD 0.006%). This variant has not been reported in the literature in individuals affected with SLX4-related conditions. Algorithms developed to predict the effect of missense changes on protein structure and function are either unavailable or do not agree on the potential impact of this missense change (SIFT: "Deleterious"; PolyPhen-2: "Benign"; Align-GVGD: "Class C0"). In summary, the available evidence is currently insufficient to determine the role of this variant in disease. Therefore, it has been classified as a Variant of Uncertain Significance.

NM_032444.4(SLX4):c.86G>C (p.Arg29Pro)

Gene: SLX4 (SLX4 structure-specific endonuclease subunit; minus strand). Cytogenetic location: 16p13.3.
Variant type: single nucleotide variant.
Coding change: c.86G>C on transcript NM_032444.4 (MANE Select); coding-DNA position 86, G replaced by C.
Protein change: p.Arg29Pro; replaces arginine 29 with proline.
Molecular consequence: missense variant.
Genome position (GRCh38, 1-based): chr16:3,608,879, C>G on the plus strand (G>C on the coding strand, the complement: SLX4 is on the minus strand). VCF-style: chr16-3608879-C-G. GRCh37 (hg19) VCF-style: chr16-3658880-C-G.
Other names: short protein forms R29P.
Identifiers: ClinVar variation 2150965 (VCV002150965.4), dbSNP rs149117119, ClinGen allele CA7866956.
Genomic context (GRCh38, chr16:3,608,879, plus strand): 5'-TCATCAGACTCATCCATCATCTGACCAGTTTTAAGGCTTTCAGGCTGGTCTTCAGAGGAG[C>G]GAGGGTCAATCCCAGGACAGGCAGACAGATGAGAAAGTGAACCCAAGTAGAAGCCTAGCT-3'
Protein context (NP_115820.2, residues 19-39): HLSACPGIDP[Arg29Pro]SSEDQPESLK